The following is an entry in ClinVar:

ClinVar aggregate classification (germline): Uncertain significance. Review status: criteria provided, multiple submitters, no conflicts (2 of 4 stars). 3 submissions from 3 submitters: Uncertain significance (3). Last evaluated 2024-12-29.

Conditions:
DICER1-related tumor predisposition. Also called: DICER1-related pleuropulmonary blastoma cancer predisposition syndrome; DICER1 syndrome. Identifiers: Orphanet 284343, MedGen C3839822, MONDO:0100216.
Hereditary cancer-predisposing syndrome. Also called: Hereditary Cancer Syndrome; Tumor predisposition; Neoplastic Syndromes, Hereditary; Hereditary neoplastic syndrome. Identifiers: Orphanet 140162, MedGen C0027672, MeSH D009386, MONDO:0015356.

Allele frequency attached by ClinVar (database versions not stated): gnomAD exomes below 0.00001.
gnomAD v4.1: 1 of 1,614,204 alleles (0.000062%); highest among the groups gnomAD compares: Non-Finnish European, 0.000085%; no homozygotes.

Submissions (3):

Labcorp Genetics (formerly Invitae), Labcorp
Classification: Uncertain significance for DICER1-related tumor predisposition. Last evaluated: 2024-12-29. Review status: criteria provided, single submitter. Criteria: Invitae Variant Classification Sherloc (09022015). Collection method: clinical testing. Allele origin: germline.
Comment: This sequence change replaces threonine, which is neutral and polar, with isoleucine, which is neutral and non-polar, at codon 1606 of the DICER1 protein (p.Thr1606Ile). This variant is not present in population databases (gnomAD no frequency). This variant has not been reported in the literature in individuals affected with DICER1-related conditions. ClinVar contains an entry for this variant (Variation ID: 2047678). Invitae Evidence Modeling of protein sequence and biophysical properties (such as structural, functional, and spatial information, amino acid conservation, physicochemical variation, residue mobility, and thermodynamic stability) has been performed for this missense variant. However, the output from this modeling did not meet the statistical confidence thresholds required to predict the impact of this variant on DICER1 protein function. In summary, the available evidence is currently insufficient to determine the role of this variant in disease. Therefore, it has been classified as a Variant of Uncertain Significance.

GeneDx
Classification: Uncertain significance. Last evaluated: 2024-11-12. Review status: criteria provided, single submitter. Criteria: GeneDx Variant Classification Process June 2021. Collection method: clinical testing. Allele origin: germline. Affected: yes.
Comment: Not observed at significant frequency in large population cohorts (gnomAD); In silico analysis indicates that this missense variant does not alter protein structure/function; Has not been previously published as pathogenic or benign to our knowledge

Ambry Genetics
Classification: Uncertain significance for Hereditary cancer-predisposing syndrome. Last evaluated: 2024-05-16. Review status: criteria provided, single submitter. Criteria: Ambry Variant Classification Scheme 2023. Collection method: clinical testing. Allele origin: germline.
Comment: The p.T1606I variant (also known as c.4817C>T), located in coding exon 22 of the DICER1 gene, results from a C to T substitution at nucleotide position 4817. The threonine at codon 1606 is replaced by isoleucine, an amino acid with similar properties. This amino acid position is conserved. In addition, this alteration is predicted to be tolerated by in silico analysis. Based on the available evidence, the clinical significance of this variant remains unclear.

NM_177438.3(DICER1):c.4817C>T (p.Thr1606Ile)

Gene: DICER1 (dicer 1, ribonuclease III; minus strand). Cytogenetic location: 14q32.13.
Variant type: single nucleotide variant.
Coding change: c.4817C>T on transcript NM_177438.3 (MANE Select); coding-DNA position 4817, C replaced by T.
Protein change: p.Thr1606Ile; replaces threonine 1606 with isoleucine.
Molecular consequence: missense variant. On other transcripts: non-coding transcript variant (6).
Genome position (GRCh38, 1-based): chr14:95,096,103, G>A on the plus strand (C>T on the coding strand, the complement: DICER1 is on the minus strand). VCF-style: chr14-95096103-G-A. GRCh37 (hg19) VCF-style: chr14-95562440-G-A.
Other names: c.4817C>T, p.Thr1606Ile (NM_001195573.1, NM_001271282.3, NM_001395684.1 and 13 more transcripts); c.4535C>T, p.Thr1512Ile (NM_001395686.1); c.4412C>T, p.Thr1471Ile (NM_001395687.1, NM_001395688.1, NM_001395689.1 and 2 more transcripts); c.4250C>T, p.Thr1417Ile (NM_001395691.1); c.3134C>T, p.Thr1045Ile (NM_001395697.1); short protein forms T1417I, T1471I, T1512I, T1045I, T1606I.
Identifiers: ClinVar variation 2047678 (VCV002047678.6), dbSNP rs2139842797, ClinGen allele CA390866984.